The following is an entry in ClinVar:

ClinVar aggregate classification (germline): Pathogenic (1 of 4 stars; one submission).

Conditions:
Imerslund-Grasbeck syndrome. Also called: Imerslund-Gräsbeck syndrome; Megaloblastic anemia due to inborn errors of metabolism; ENTEROCYTE COBALAMIN MALABSORPTION; ENTEROCYTE INTRINSIC FACTOR RECEPTOR, DEFECT OF; PERNICIOUS ANEMIA, JUVENILE, DUE TO SELECTIVE INTESTINAL MALABSORPTION OF VITAMIN B12, WITH PROTEINURIA. Identifiers: Orphanet 35858, MedGen C4551825, MONDO:0009853.

Submission:

Labcorp Genetics (formerly Invitae), Labcorp
Classification: Pathogenic for Imerslund-Grasbeck syndrome. Last evaluated: 2023-03-27. Review status: criteria provided, single submitter. Criteria: Invitae Variant Classification Sherloc (09022015). Collection method: clinical testing. Allele origin: germline.
Comment: This variant has not been reported in the literature in individuals affected with AMN-related conditions. For these reasons, this variant has been classified as Pathogenic. This variant is present in population databases (no rsID available, gnomAD 0.009%). This sequence change creates a premature translational stop signal (p.Gln236Serfs*32) in the AMN gene. It is expected to result in an absent or disrupted protein product. Loss-of-function variants in AMN are known to be pathogenic (PMID: 12590260, 22929189).

Literature cited by the submitters: PubMed 12590260; PubMed 22929189.

NM_030943.4(AMN):c.683_705dup (p.Gln236fs)

Gene: AMN (amnion associated transmembrane protein; plus strand). Cytogenetic location: 14q32.32.
Variant type: Duplication.
Coding change: c.683_705dup on transcript NM_030943.4 (MANE Select); coding-DNA positions 683 to 705, 23 bases duplicated (AGCCCCTGGGCGGCCGCTGCCCC).
Protein change: p.Gln236fs; shifts the reading frame from glutamine 236.
Molecular consequence: frameshift variant.
Genome position (GRCh38, 1-based): chr14:102,929,459-102,929,481, AGCCCCTGGGCGGCCGCTGCCCC duplicated; duplicating any 23 consecutive bases within chr14:102,929,457-102,929,481 gives the same sequence; the c. name uses the placement nearest the transcript's 3' end. VCF-style (leftmost placement, unchanged base first): chr14-102929456-T-TCCAGCCCCTGGGCGGCCGCTGCC. GRCh37 (hg19) VCF-style: chr14-103395793-T-TCCAGCCCCTGGGCGGCCGCTGCC.
Other names: c.521_543dup, p.Gln182Serfs (NM_001425246.1); short protein forms Q236fs.
Identifiers: ClinVar variation 2738292 (VCV002738292.3), dbSNP rs1335752004, ClinGen allele CA616581805.
Genomic context (GRCh38, chr14:102,929,456, plus strand): 5'-CCCTCCGCGCTGACCACCGCCCCTCGCACCAGGCGCAGCCGTGGATCTGCGCGGCCCTGC[T>TCCAGCCCCTGGGCGGCCGCTGCC]CCAGCCCCTGGGCGGCCGCTGCCCCCAGGCCGCCTGCCACAGCGCCCTCCGGCCCCAGGG-3'